The following is an entry in ClinVar:

ClinVar aggregate classification (germline): Conflicting classifications of pathogenicity. Review status: criteria provided, conflicting classifications (1 of 4 stars). 2 submissions from 2 submitters: Uncertain significance (1); Likely benign (1). Last evaluated 2025-06-12.

Conditions:
Weill-Marchesani syndrome 1 (WMS1). Also called: Weill-Marchesani syndrome 1, recessive; ADAMTS10-Related Weill-Marchesani Syndrome; Weill-Marchesani Syndrome, Autosomal Recessive. Identifiers: Orphanet 3449, MedGen C4552002, MONDO:0010194, OMIM 277600.

Allele frequency attached by ClinVar (database versions not stated): TOPMed 0.00001.
gnomAD v4.1: 42 of 1,612,010 alleles (0.0026%); highest among the groups gnomAD compares: Middle Eastern, 0.066%; no homozygotes.

Submissions (2):

Labcorp Genetics (formerly Invitae), Labcorp
Classification: Uncertain significance. Last evaluated: 2025-06-12. Review status: criteria provided, single submitter. Criteria: Invitae Variant Classification Sherloc (09022015). Collection method: clinical testing. Allele origin: germline.
Comment: This sequence change replaces alanine, which is neutral and non-polar, with threonine, which is neutral and polar, at codon 125 of the ADAMTS10 protein (p.Ala125Thr). This variant is present in population databases (rs782138140, gnomAD 0.006%). This variant has not been reported in the literature in individuals affected with ADAMTS10-related conditions. ClinVar contains an entry for this variant (Variation ID: 1462884). An algorithm developed to predict the effect of missense changes on protein structure and function (PolyPhen-2) suggests that this variant is likely to be tolerated. In summary, the available evidence is currently insufficient to determine the role of this variant in disease. Therefore, it has been classified as a Variant of Uncertain Significance.

3billion
Classification: Likely benign for Weill-Marchesani syndrome 1. Last evaluated: 2024-09-20. Review status: criteria provided, single submitter. Criteria: ACMG Guidelines, 2015. Collection method: clinical testing. Allele origin: germline. Affected: no.
Comment: The homozygous variant was found in patients diagnosed with another variant in a different gene, with no symptoms related to the gene containing the homozygous variant.

NM_030957.4(ADAMTS10):c.373G>A (p.Ala125Thr)

Gene: ADAMTS10 (ADAM metallopeptidase with thrombospondin type 1 motif 10; minus strand). Cytogenetic location: 19p13.2.
Variant type: single nucleotide variant.
Coding change: c.373G>A on transcript NM_030957.4 (MANE Select); coding-DNA position 373, G replaced by A.
Protein change: p.Ala125Thr; replaces alanine 125 with threonine.
Molecular consequence: missense variant.
Genome position (GRCh38, 1-based): chr19:8,605,074, C>T on the plus strand (G>A on the coding strand, the complement: ADAMTS10 is on the minus strand). VCF-style: chr19-8605074-C-T. GRCh37 (hg19) VCF-style: chr19-8669959-C-T.
Other names: short protein forms A125T.
Identifiers: ClinVar variation 1462884 (VCV001462884.6), dbSNP rs782138140, ClinGen allele CA9160863.